The following is an entry in ClinVar:

ClinVar aggregate classification (germline): Uncertain significance (1 of 4 stars; one submission).

Submission:

Labcorp Genetics (formerly Invitae), Labcorp
Classification: Uncertain significance. Last evaluated: 2025-09-29. Review status: criteria provided, single submitter. Criteria: Invitae Variant Classification Sherloc (09022015). Collection method: clinical testing. Allele origin: germline.
Comment: This sequence change replaces tyrosine, which is neutral and polar, with histidine, which is basic and polar, at codon 600 of the GANAB protein (p.Tyr600His). This variant is present in population databases (rs768322968, gnomAD 0.006%). This variant has not been reported in the literature in individuals affected with GANAB-related conditions. Invitae Evidence Modeling of protein sequence and biophysical properties (such as structural, functional, and spatial information, amino acid conservation, physicochemical variation, residue mobility, and thermodynamic stability) indicates that this missense variant is not expected to disrupt GANAB protein function with a negative predictive value of 80%. In summary, the available evidence is currently insufficient to determine the role of this variant in disease. Therefore, it has been classified as a Variant of Uncertain Significance.

NM_198334.3(GANAB):c.1732T>C (p.Tyr578His)

Gene: GANAB (glucosidase II alpha subunit; minus strand). Cytogenetic location: 11q12.3.
Variant type: single nucleotide variant.
Coding change: c.1732T>C on transcript NM_198334.3 (MANE Select); coding-DNA position 1732, T replaced by C.
Protein change: p.Tyr578His; replaces tyrosine 578 with histidine.
Molecular consequence: missense variant.
Genome position (GRCh38, 1-based): chr11:62,629,819, A>G on the plus strand (T>C on the coding strand, the complement: GANAB is on the minus strand). VCF-style: chr11-62629819-A-G. GRCh37 (hg19) VCF-style: chr11-62397291-A-G.
Other names: c.1456T>C, p.Tyr486His (NM_001278192.2); c.1390T>C, p.Tyr464His (NM_001278193.2); c.1441T>C, p.Tyr481His (NM_001278194.2, NM_001329222.2, NM_001329223.2); c.1009T>C, p.Tyr337His (NM_001329224.2, NM_001329225.2); c.1798T>C, p.Tyr600His (NM_198335.4); short protein forms Y481H, Y486H, Y600H, Y464H, Y578H, Y337H.
Identifiers: ClinVar variation 4745354 (VCV004745354.1).